The following is an entry in ClinVar:

ClinVar aggregate classification (germline): Uncertain significance. Review status: criteria provided, multiple submitters, no conflicts (2 of 4 stars). 4 submissions from 4 submitters: Uncertain significance (3). 1 of the submissions does not count toward it. Last evaluated 2025-08-30.

Conditions:
Inborn genetic diseases. Identifiers: MedGen C0950123, MeSH D030342.
Bardet-Biedl syndrome (BBS). Identifiers: Orphanet 110, MedGen C0752166, MONDO:0015229.
BBS9-related disorder. Also called: BBS9-related condition.

Allele frequency attached by ClinVar (database versions not stated): gnomAD 0.00001; TOPMed 0.00001; ExAC 0.00003; gnomAD exomes 0.00003; ESP Exome Variant Server 0.00015.

Submissions (4):

Ambry Genetics
Classification: Uncertain significance for Inborn genetic diseases. Last evaluated: 2025-08-30. Review status: criteria provided, single submitter. Criteria: Ambry Variant Classification Scheme 2023. Collection method: clinical testing. Allele origin: germline.

Labcorp Genetics (formerly Invitae), Labcorp
Classification: Uncertain significance for Bardet-Biedl syndrome. Last evaluated: 2025-01-15. Review status: criteria provided, single submitter. Criteria: Invitae Variant Classification Sherloc (09022015). Collection method: clinical testing. Allele origin: germline.
Comment: This sequence change replaces proline, which is neutral and non-polar, with serine, which is neutral and polar, at codon 520 of the BBS9 protein (p.Pro520Ser). This variant is present in population databases (rs149730302, gnomAD 0.005%). This variant has not been reported in the literature in individuals affected with BBS9-related conditions. ClinVar contains an entry for this variant (Variation ID: 856135). Invitae Evidence Modeling of protein sequence and biophysical properties (such as structural, functional, and spatial information, amino acid conservation, physicochemical variation, residue mobility, and thermodynamic stability) indicates that this missense variant is not expected to disrupt BBS9 protein function with a negative predictive value of 80%. In summary, the available evidence is currently insufficient to determine the role of this variant in disease. Therefore, it has been classified as a Variant of Uncertain Significance.

Blueprint Genetics
Classification: Uncertain significance. Last evaluated: 2022-06-30. Review status: criteria provided, single submitter. Criteria: ACMG Guidelines, 2015. Collection method: clinical testing. Allele origin: germline.

PreventionGenetics, part of Exact Sciences
Classification: Uncertain significance for BBS9-related condition. Last evaluated: 2024-08-06. Review status: no assertion criteria provided. Collection method: clinical testing. Allele origin: germline. Not counted in ClinVar's aggregate classification.
Comment: The BBS9 c.1558C>T variant is predicted to result in the amino acid substitution p.Pro520Ser. To our knowledge, this variant has not been reported in the literature. This variant is reported in 0.0053% of alleles in individuals of European (Non-Finnish) descent in gnomAD. At this time, the clinical significance of this variant is uncertain due to the absence of conclusive functional and genetic evidence.

NM_198428.3(BBS9):c.1558C>T (p.Pro520Ser)

Gene: BBS9 (Bardet-Biedl syndrome 9; plus strand). Cytogenetic location: 7p14.3.
Variant type: single nucleotide variant.
Coding change: c.1558C>T on transcript NM_198428.3 (MANE Select); coding-DNA position 1558, C replaced by T.
Protein change: p.Pro520Ser; replaces proline 520 with serine.
Molecular consequence: missense variant. On other transcripts: non-coding transcript variant (3).
Genome position (GRCh38, 1-based): chr7:33,357,860, C>T. VCF-style: chr7-33357860-C-T. GRCh37 (hg19) VCF-style: chr7-33397472-C-T.
Other names: c.1453C>T, p.Pro485Ser (NM_001033604.2); c.1543C>T, p.Pro515Ser (NM_001033605.2); c.1558C>T, p.Pro520Ser (NM_001348036.1, NM_001348041.4, NM_001348043.3 and 1 more transcripts); c.1192C>T, p.Pro398Ser (NM_001348037.3, NM_001348045.3, NM_001348046.3); c.1285C>T, p.Pro429Ser (NM_001348038.3); c.1180C>T, p.Pro394Ser (NM_001348039.3); c.1438C>T, p.Pro480Ser (NM_001348040.3, NM_014451.4); c.1423C>T, p.Pro475Ser (NM_001348042.3); and 1 more; short protein forms P363S, P398S, P429S, P480S, P520S, P515S, P475S, P485S.
Identifiers: ClinVar variation 856135 (VCV000856135.11), dbSNP rs149730302, ClinGen allele CA4214429.